The following is an entry in ClinVar:

ClinVar aggregate classification (germline): Uncertain significance. Review status: criteria provided, multiple submitters, no conflicts (2 of 4 stars). 3 submissions from 3 submitters: Uncertain significance (3). Last evaluated 2025-05-08.

Conditions:
Inborn genetic diseases. Identifiers: MedGen C0950123, MeSH D030342.
Baller-Gerold syndrome (BGS). Also called: CRANIOSYNOSTOSIS WITH RADIAL DEFECTS. Identifiers: Orphanet 1225, MedGen C0265308, MONDO:0009039, OMIM 218600.

gnomAD v4.1: 4 of 1,612,788 alleles (0.00025%); highest among the groups gnomAD compares: Non-Finnish European, 0.00034%; no homozygotes.

Submissions (3):

Ambry Genetics
Classification: Uncertain significance for Inborn genetic diseases. Last evaluated: 2025-05-08. Review status: criteria provided, single submitter. Criteria: Ambry Variant Classification Scheme 2023. Collection method: clinical testing. Allele origin: germline.
Comment: The p.L453V variant (also known as c.1357C>G), located in coding exon 7 of the RECQL4 gene, results from a C to G substitution at nucleotide position 1357. The leucine at codon 453 is replaced by valine, an amino acid with highly similar properties. This amino acid position is conserved. In addition, this alteration is predicted to be tolerated by in silico analysis. Based on the available evidence, the clinical significance of this variant remains unclear.

Blueprint Genetics
Classification: Uncertain significance. Last evaluated: 2024-04-24. Review status: criteria provided, single submitter. Criteria: ACMG Guidelines, 2015. Collection method: clinical testing. Allele origin: germline.

Labcorp Genetics (formerly Invitae), Labcorp
Classification: Uncertain significance for Baller-Gerold syndrome. Last evaluated: 2023-10-06. Review status: criteria provided, single submitter. Criteria: Invitae Variant Classification Sherloc (09022015). Collection method: clinical testing. Allele origin: germline.
Comment: This sequence change replaces leucine, which is neutral and non-polar, with valine, which is neutral and non-polar, at codon 453 of the RECQL4 protein (p.Leu453Val). This variant is present in population databases (no rsID available, gnomAD 0.0009%). This variant has not been reported in the literature in individuals affected with RECQL4-related conditions. ClinVar contains an entry for this variant (Variation ID: 1449948). Advanced modeling of protein sequence and biophysical properties (such as structural, functional, and spatial information, amino acid conservation, physicochemical variation, residue mobility, and thermodynamic stability) performed at Invitae indicates that this missense variant is not expected to disrupt RECQL4 protein function. In summary, the available evidence is currently insufficient to determine the role of this variant in disease. Therefore, it has been classified as a Variant of Uncertain Significance.

NM_004260.4(RECQL4):c.1357C>G (p.Leu453Val)

Gene: RECQL4 (RecQ like helicase 4; minus strand). Cytogenetic location: 8q24.3.
Variant type: single nucleotide variant.
Coding change: c.1357C>G on transcript NM_004260.4 (MANE Select); coding-DNA position 1357, C replaced by G.
Protein change: p.Leu453Val; replaces leucine 453 with valine.
Molecular consequence: missense variant.
Genome position (GRCh38, 1-based): chr8:144,515,359, G>C on the plus strand (C>G on the coding strand, the complement: RECQL4 is on the minus strand). VCF-style: chr8-144515359-G-C. GRCh37 (hg19) VCF-style: chr8-145740743-G-C.
Other names: c.1357C>G (NM_004260.3); short protein forms L453V.
Identifiers: ClinVar variation 1449948 (VCV001449948.8), dbSNP rs754354054, ClinGen allele CA372685451.